The following is an entry in ClinVar:

ClinVar aggregate classification (germline): Uncertain significance (1 of 4 stars; one submission).

gnomAD v4.1: 30 of 1,610,100 alleles (0.0019%); highest among the groups gnomAD compares: Non-Finnish European, 0.0023%; no homozygotes.

Submission:

Women's Health and Genetics/Laboratory Corporation of America, LabCorp
Classification: Uncertain significance. Last evaluated: 2025-12-17. Review status: criteria provided, single submitter. Criteria: LabCorp Variant Classification Summary - May 2015. Collection method: clinical testing. Allele origin: germline.
Comment: Variant summary: HECW2 c.1015C>T (p.Leu339Phe) results in a non-conservative amino acid change in the encoded protein sequence. Algorithms developed to predict the effect of missense changes on protein structure and function are either unavailable or do not agree on the potential impact of this missense change. The variant allele was found at a frequency of 4e-06 in 247164 control chromosomes. The available data on variant occurrences in the general population are insufficient to allow any conclusion about variant significance. To our knowledge, no occurrence of c.1015C>T in individuals affected with HECW2-related conditions and no experimental evidence demonstrating its impact on protein function have been reported. No submitters have cited clinical-significance assessments for this variant to ClinVar. Based on the evidence outlined above, the variant was classified as uncertain significance.

NM_001348768.2(HECW2):c.1015C>T (p.Leu339Phe)

Gene: HECW2 (HECT, C2 and WW domain containing E3 ubiquitin protein ligase 2; minus strand). Cytogenetic location: 2q32.3.
Variant type: single nucleotide variant.
Coding change: c.1015C>T on transcript NM_001348768.2 (MANE Select); coding-DNA position 1015, C replaced by T.
Protein change: p.Leu339Phe; replaces leucine 339 with phenylalanine.
Molecular consequence: missense variant. On other transcripts: 5 prime UTR variant (1).
Genome position (GRCh38, 1-based): chr2:196,319,875, G>A on the plus strand (C>T on the coding strand, the complement: HECW2 is on the minus strand). VCF-style: chr2-196319875-G-A. GRCh37 (hg19) VCF-style: chr2-197184599-G-A.
Other names: c.-54C>T (NM_001304840.3); c.1015C>T, p.Leu339Phe (NM_020760.4); short protein forms L339F.
Identifiers: ClinVar variation 4688249 (VCV004688249.1).
Genomic context (GRCh38, chr2:196,319,875, plus strand): 5'-CTGGCATGTCCTCGTCATCGGAAGGGCTACCTAAGTCTCCATTCACAGAATTGACTCCAA[G>A]TATTGTGCCAACAGCTTCTGGAGAGGCATCTGAATGAGAAAACAGCATTTCTAAAAAATT-3'
Protein context (NP_001335697.1, residues 329-349): DASPEAVGTI[Leu339Phe]GVNSVNGDLG